The following is an entry in ClinVar:

NM_001329998.2(TRANK1):c.855C>T (p.Gly285=)

Gene: TRANK1 (tetratricopeptide repeat and ankyrin repeat containing 1; minus strand). Cytogenetic location: 3p22.2.
Variant type: single nucleotide variant.
Coding change: c.855C>T on transcript NM_001329998.2 (MANE Select); coding-DNA position 855, C replaced by T.
Protein change: p.Gly285=; no amino-acid change (glycine 285 retained).
Molecular consequence: synonymous variant.
Genome position (GRCh38, 1-based): chr3:36,889,881, G>A on the plus strand (C>T on the coding strand, the complement: TRANK1 is on the minus strand). VCF-style: chr3-36889881-G-A. GRCh37 (hg19) VCF-style: chr3-36931372-G-A.
Other names: c.723C>T, p.Gly241= (NM_014831.3).
Identifiers: ClinVar variation 2653659 (VCV002653659.25), dbSNP rs370857220, ClinGen allele CA2307363.
Genomic context (GRCh38, chr3:36,889,881, plus strand): 5'-CTACTCACGCTTAACGAGGTATCCTGGGGAGTGGGCAGCGACGACGTGCAGGACAGTGCA[G>A]CCATCCCCATCCTTCTGGTTAATGCGGCCTTTCCACTCGGGCTTGTGATCCATTAACCAC-3'
Protein context (NP_001316927.1, residues 275-295): KGRINQKDGD[Gly285=]CTVLHVVAAH

ClinVar aggregate classification (germline): Likely benign. Review status: criteria provided, multiple submitters, no conflicts (2 of 4 stars). 2 submissions from 2 submitters: Likely benign (2). Last evaluated 2022-07-01.

Allele frequency attached by ClinVar (database versions not stated): ExAC 0.00021; gnomAD 0.00024; gnomAD exomes 0.00026; TOPMed 0.00031; ESP Exome Variant Server 0.00044.
gnomAD v4.1: 399 of 1,537,140 alleles (0.026%); highest among the groups gnomAD compares: Middle Eastern, 0.1%; no homozygotes.

Submissions (2):

CeGaT Center for Human Genetics Tuebingen
Classification: Likely benign. Last evaluated: 2022-07-01. Review status: criteria provided, single submitter. Criteria: CeGaT Center For Human Genetics Tuebingen Variant Classification Criteria Version 2. Collection method: clinical testing. Allele origin: germline. Affected: yes. Observed: 1 variant allele.
Comment: TRANK1: BP4, BP7

Breakthrough Genomics
Classification: Likely benign. Review status: criteria provided, single submitter. Criteria: ACMG Guidelines, 2015. Collection method: not provided. Allele origin: germline. Inheritance: Unknown mechanism. Affected: yes.